The following is an entry in ClinVar:

ClinVar aggregate classification (germline): Likely pathogenic. Review status: criteria provided, single submitter (1 of 4 stars). 2 submissions from 2 submitters: Likely pathogenic (1). 1 of the submissions does not count toward it. Last evaluated 2016-04-05.

Conditions:
Hereditary cancer-predisposing syndrome. Also called: Hereditary neoplastic syndrome; Neoplastic Syndromes, Hereditary; Tumor predisposition; Hereditary Cancer Syndrome. Identifiers: Orphanet 140162, MedGen C0027672, MeSH D009386, MONDO:0015356.
Microcephaly, normal intelligence and immunodeficiency (NBS). Also called: IMMUNODEFICIENCY, MICROCEPHALY, AND CHROMOSOMAL INSTABILITY; SEEMANOVA SYNDROME II; Nijmegen breakage syndrome; Microcephaly with normal intelligence immunodeficiency and lymphoreticular malignancies; Nonsyndromal microcephaly autosomal recessive with normal intelligence; Seemanova syndrome 2. Identifiers: Orphanet 647, MedGen C0398791, MONDO:0009623, OMIM 251260.

Allele frequency attached by ClinVar (database versions not stated): TOPMed below 0.00001.

Submissions (2):

Ambry Genetics
Classification: Likely pathogenic for Hereditary cancer-predisposing syndrome. Last evaluated: 2016-04-05. Review status: criteria provided, single submitter. Criteria: Ambry Variant Classification Scheme 2023. Collection method: clinical testing. Allele origin: germline.
Comment: The c.320+1G>A intronic variant results from a G to A substitution one nucleotide after coding exon 3 of the NBN gene. This variant was not reported in population based cohorts in the following databases: Database of Single Nucleotide Polymorphisms (dbSNP), NHLBI Exome Sequencing Project (ESP), and 1000 Genomes Project. In the ESP, this variant was not observed in 6500 samples (13000 alleles) with coverage at this position. To date, this alteration has been detected with an allele frequency of approximately 0.001% (greater than 120000 alleles tested) in our clinical cohort. This nucleotide position is highly conserved in available vertebrate species. Using the BDGP and ESEfinder splice site prediction tools, this alteration is predicted to abolish the native splice donor site; however, direct evidence is unavailable. Alterations that disrupt the canonical splice donor site are typically deleterious in nature (ACMG Recommendations for Standards for Interpretation and Reporting of Sequence Variations. Revision 2007. Genet Med. 2008;10:294). As such, the c.320+1G>A variant is classified as likely pathogenic.

Natera, Inc.
Classification: Likely pathogenic for Nijmegen breakage syndrome. Last evaluated: 2020-09-16. Review status: no assertion criteria provided. Collection method: clinical testing. Allele origin: germline. Not counted in ClinVar's aggregate classification.

NM_002485.5(NBN):c.320+1G>A

Gene: NBN (nibrin; minus strand). Cytogenetic location: 8q21.3.
Variant type: single nucleotide variant.
Coding change: c.320+1G>A on transcript NM_002485.5 (MANE Select); the canonical splice donor site of the intron after coding-DNA position 320, G replaced by A.
Molecular consequence: splice donor variant.
Genome position (GRCh38, 1-based): chr8:89,981,374, C>T on the plus strand (G>A on the coding strand, the complement: NBN is on the minus strand). VCF-style: chr8-89981374-C-T. GRCh37 (hg19) VCF-style: chr8-90993602-C-T.
Other names: c.74+1G>A (NM_001024688.3).
Identifiers: ClinVar variation 483957 (VCV000483957.6), dbSNP rs1364533250, ClinGen allele CA371662236.